The following is an entry in ClinVar:

NM_000486.6(AQP2):c.211G>A (p.Val71Met)

Gene: AQP2 (aquaporin 2; plus strand). Cytogenetic location: 12q13.12.
Variant type: single nucleotide variant.
Coding change: c.211G>A on transcript NM_000486.6 (MANE Select); coding-DNA position 211, G replaced by A.
Protein change: p.Val71Met; replaces valine 71 with methionine.
Molecular consequence: missense variant.
Genome position (GRCh38, 1-based): chr12:49,951,041, G>A. VCF-style: chr12-49951041-G-A. GRCh37 (hg19) VCF-style: chr12-50344824-G-A.
Other names: short protein forms V71M.
Identifiers: ClinVar variation 446860 (VCV000446860.18), dbSNP rs149659001, ClinGen allele CA236731400.

ClinVar aggregate classification (germline): Pathogenic/Likely pathogenic. Review status: criteria provided, multiple submitters, no conflicts (2 of 4 stars). 7 submissions from 7 submitters: Pathogenic (6); Likely pathogenic (1). Last evaluated 2024-03-21.

Conditions:
AQP2-related disorder. Also called: AQP2-related condition.
Diabetes insipidus, nephrogenic, autosomal (NDI2). Also called: Nephrogenic Diabetes Insipidus, Type II; Diabetes insipidus, nephrogenic, 2, autosomal. Identifiers: Orphanet 223, MedGen C1563706, MONDO:0007451, OMIM 125800.

Allele frequency attached by ClinVar (database versions not stated): gnomAD exomes 0.00001; TOPMed 0.00002; gnomAD 0.00006.
gnomAD v4.1: 19 of 1,613,776 alleles (0.0012%); highest among the groups gnomAD compares: South Asian, 0.0066%; no homozygotes.

Submissions (7):

Fulgent Genetics
Classification: Likely pathogenic for Diabetes insipidus, nephrogenic, autosomal. Last evaluated: 2024-03-21. Review status: criteria provided, single submitter. Criteria: ACMG Guidelines, 2015. Collection method: clinical testing. Allele origin: germline.

Victorian Clinical Genetics Services, Murdoch Childrens Research Institute
Classification: Pathogenic for Diabetes insipidus, nephrogenic, autosomal. Last evaluated: 2023-07-17. Review status: criteria provided, single submitter. Criteria: ACMG Guidelines, 2015. Collection method: clinical testing. Allele origin: germline. Affected: yes.
Comment: Based on the classification scheme VCGS_Germline_v1.3.4, this variant is classified as Pathogenic. Following criteria are met: 0103 - Dominant negative and loss of function are known mechanisms of disease in this gene and are associated with diabetes insipidus, nephrogenic, 2 (MIM#125800). Missense variants have been described with either a dominant negative or loss of function mechanism. Protein truncating variants have a loss of function mechanism, whereas frameshift variants causing an elongation are dominant negative (OMIM, PMID: 12191971, PMID: 26069764, PMID: 11536078). (I) 0108 - This gene is associated with both recessive and dominant disease. Loss of function variants result in recessive disease, whereas dominant negative variants result in dominant disease (PMID: 12191971, PMID: 26069764, PMID: 11536078). (I) 0200 - Variant is predicted to result in a missense amino acid change from valine to methionine. (I) 0252 - This variant is homozygous. (I) 0304 - Variant is present in gnomAD (v2) <0.01 (4 heterozygotes, 0 homozygotes). (SP) 0309 - An alternative amino acid change at the same position has been observed in gnomAD (v3) (1 heterozygote, 0 homozygotes). (I) 0501 - Missense variant consistently predicted to be damaging by multiple in silico tools or highly conserved with a major amino acid change. (SP) 0600 - Variant is located in the annotated CII domain (PMID: 26069764). (I) 0801 - This variant has strong previous evidence of pathogenicity in unrelated individuals. This variant has been reported several times as pathogenic, and observed in multiple homozygous individuals with diabetes insipidus (ClinVar, PMID: 12191971, PMID: 30976394, PMID: 26069764). (SP) 1002 - This variant has moderate functional evidence supporting abnormal protein function. Expression of this variant in oocytes showed significantly reduced water permeability and protein mislocalization (PMID: 12191971). (SP) 1208 - Inheritance information for this variant is not currently available in this individual. (I) Legend: (SP) - Supporting pathogenic, (I) - Information, (SB) - Supporting benign

Labcorp Genetics (formerly Invitae), Labcorp
Classification: Pathogenic. Last evaluated: 2023-07-16. Review status: criteria provided, single submitter. Criteria: Invitae Variant Classification Sherloc (09022015). Collection method: clinical testing. Allele origin: germline.
Comment: This sequence change replaces valine, which is neutral and non-polar, with methionine, which is neutral and non-polar, at codon 71 of the AQP2 protein (p.Val71Met). This variant is present in population databases (rs149659001, gnomAD 0.003%). This missense change has been observed in individuals with autosomal recessive diabetes insipidus (PMID: 12191971, 19147915, 26069764). It has also been observed to segregate with disease in related individuals. ClinVar contains an entry for this variant (Variation ID: 446860). Advanced modeling of protein sequence and biophysical properties (such as structural, functional, and spatial information, amino acid conservation, physicochemical variation, residue mobility, and thermodynamic stability) has been performed at Invitae for this missense variant, however the output from this modeling did not meet the statistical confidence thresholds required to predict the impact of this variant on AQP2 protein function. For these reasons, this variant has been classified as Pathogenic. Experimental studies have shown that this missense change affects AQP2 function (PMID: 12191971, 20711567).

Blueprint Genetics
Classification: Pathogenic for AQP2-related disorders. Last evaluated: 2022-04-18. Review status: criteria provided, single submitter. Criteria: ACMG Guidelines, 2015. Collection method: clinical testing. Allele origin: germline. Affected: yes. Observed: 2 variant alleles.

Athena Diagnostics
Classification: Pathogenic. Last evaluated: 2017-01-25. Review status: criteria provided, single submitter. Criteria: Athena Diagnostics Criteria. Collection method: clinical testing. Allele origin: germline.

Juno Genomics, Hangzhou Juno Genomics, Inc
Classification: Pathogenic for Diabetes insipidus, nephrogenic, autosomal. Review status: criteria provided, single submitter. Criteria: ACMG Guidelines, 2015. Collection method: clinical testing. Allele origin: germline.
Comment: Absent from controls (or at extremely low frequency if recessive) in Genome Aggregation Database.;For recessive disorders, detected in trans with a pathogenic variant.;Co-segregation with disease in multiple affected family members.;Patient's phenotype or family history is highly specific for a disease with a single genetic etiology.;Well-established in vitro or in vivo functional studies supportive of a damaging effect on the gene or gene product.

Neuberg Centre For Genomic Medicine, NCGM
Classification: Pathogenic for Diabetes insipidus, nephrogenic, autosomal. Review status: criteria provided, single submitter. Criteria: ACMG Guidelines, 2015. Collection method: clinical testing. Allele origin: germline. Inheritance: Autosomal recessive inheritance. Affected: yes.
Comment: The missense c.211G>A (p.Val71Met) variant in the AQP2 gene which is located in a mutational hot spot has been reported previously in a homozygous state in individuals affected with nephrogenic diabetes insipidus (NDI) (Bichet et al., 2016). Experimental studies have shown that this missense change affects the AQP2 function (Marr et al., 2002; Lussier et al., 2010). The amino acid Val at position 71 is changed to a Met changing protein sequence and it might alter its composition and physico-chemical properties. This variant has been reported to the ClinVar database as Pathogenic. Multiple lines of computational evidence (Polyphen - Damaging, SIFT - Damaging and MutationTaster - Disease causing) predict a damaging effect on protein structure and function for this variant. The amino acid change p.Val71Met in AQP2 is predicted as conserved by GERP++ and PhyloP across 100 vertebrates. For these reasons, this variant has been classified as Pathogenic.

Literature cited by the submitters: PubMed 11536078 (cited by Victorian Clinical Genetics Services, Murdoch Childrens Research Institute); PubMed 12191971 (cited by 3 submitters); PubMed 26069764 (cited by Victorian Clinical Genetics Services, Murdoch Childrens Research Institute and Labcorp Genetics (formerly Invitae), Labcorp); PubMed 30976394 (cited by Victorian Clinical Genetics Services, Murdoch Childrens Research Institute); PubMed 19147915 (cited by Labcorp Genetics (formerly Invitae), Labcorp and Athena Diagnostics); PubMed 20711567 (cited by Labcorp Genetics (formerly Invitae), Labcorp and Athena Diagnostics); PubMed 26442203 (cited by Athena Diagnostics); PubMed 11853799 (cited by Athena Diagnostics); PubMed 27156763 (cited by Athena Diagnostics); PubMed 22498392 (cited by Athena Diagnostics).